The following is an entry in ClinVar:

NM_014055.4(IFT81):c.2T>A (p.Met1Lys)

Gene: IFT81 (intraflagellar transport 81; plus strand). Cytogenetic location: 12q24.11.
Variant type: single nucleotide variant.
Coding change: c.2T>A on transcript NM_014055.4 (MANE Select); coding-DNA position 2, T replaced by A.
Protein change: p.Met1Lys; changes the start codon (methionine 1).
Molecular consequence: missense variant, initiator codon variant. On other transcripts: 5 prime UTR variant (2), non-coding transcript variant (4).
Genome position (GRCh38, 1-based): chr12:110,127,382, T>A. VCF-style: chr12-110127382-T-A. GRCh37 (hg19) VCF-style: chr12-110565187-T-A.
Other names: c.2T>A, p.Met1Lys (NM_001143779.2, NM_001347946.2, NM_031473.4); c.-765T>A (NM_001347947.2, NM_001347948.2); short protein forms M1K.
Identifiers: ClinVar variation 2809211 (VCV002809211.3), dbSNP rs1893908925, ClinGen allele CA386905984.

ClinVar aggregate classification (germline): Uncertain significance (1 of 4 stars; one submission).

Submission:

Labcorp Genetics (formerly Invitae), Labcorp
Classification: Uncertain significance. Last evaluated: 2022-10-21. Review status: criteria provided, single submitter. Criteria: Invitae Variant Classification Sherloc (09022015). Collection method: clinical testing. Allele origin: germline.
Comment: This sequence change affects the initiator methionine of the IFT81 mRNA. The next in-frame methionine is located at codon 9. This variant is not present in population databases (gnomAD no frequency). This variant has not been reported in the literature in individuals affected with IFT81-related conditions. Experimental studies and prediction algorithms are not available or were not evaluated, and the functional significance of this variant is currently unknown. In summary, the available evidence is currently insufficient to determine the role of this variant in disease. Therefore, it has been classified as a Variant of Uncertain Significance.